The following is an entry in ClinVar:

ClinVar aggregate classification (germline): Uncertain significance (1 of 4 stars; one submission).

Conditions:
Hypertrophic cardiomyopathy 1 (CMH1). Also called: Familial hypertrophic cardiomyopathy 1; MYH7-Related Familial Hypertrophic Cardiomyopathy. Identifiers: MedGen C3495498, MONDO:0008647, OMIM 192600.

Submission:

Labcorp Genetics (formerly Invitae), Labcorp
Classification: Uncertain significance for Hypertrophic cardiomyopathy 1. Last evaluated: 2020-12-25. Review status: criteria provided, single submitter. Criteria: Invitae Variant Classification Sherloc (09022015). Collection method: clinical testing. Allele origin: germline.
Comment: In summary, the available evidence is currently insufficient to determine the role of this variant in disease. Therefore, it has been classified as a Variant of Uncertain Significance. Experimental studies and prediction algorithms are not available or were not evaluated, and the functional significance of this variant is currently unknown. This variant has not been reported in the literature in individuals with MYLK2-related conditions. This variant is not present in population databases (ExAC no frequency). This variant, c.393_407dup, results in the insertion of 5 amino acid(s) to the MYLK2 protein (p.Glu134_Ala138dup), but otherwise preserves the integrity of the reading frame.

NM_033118.4(MYLK2):c.393_407dup (p.Glu134_Ala138dup)

Gene: MYLK2 (myosin light chain kinase 2; plus strand). Cytogenetic location: 20q11.21.
Variant type: Duplication.
Coding change: c.393_407dup on transcript NM_033118.4 (MANE Select); coding-DNA positions 393 to 407, 15 bases duplicated (GGCAGCAGAGGGCCA).
Protein change: p.Glu134_Ala138dup.
Molecular consequence: inframe insertion.
Genome position (GRCh38, 1-based): chr20:31,820,466-31,820,480, GGCAGCAGAGGGCCA duplicated; duplicating any 15 consecutive bases within chr20:31,820,465-31,820,480 gives the same sequence; the c. name uses the placement nearest the transcript's 3' end. VCF-style (leftmost placement, unchanged base first): chr20-31820464-A-AAGGCAGCAGAGGGCC. GRCh37 (hg19) VCF-style: chr20-30408267-A-AAGGCAGCAGAGGGCC.
Identifiers: ClinVar variation 1497341 (VCV001497341.8), dbSNP rs2123126489, ClinGen allele CA2573156963.